The following is an entry in ClinVar:

NM_020812.4(DOCK6):c.913A>G (p.Met305Val)

Gene: DOCK6 (dedicator of cytokinesis 6; minus strand). Cytogenetic location: 19p13.2.
Variant type: single nucleotide variant.
Coding change: c.913A>G on transcript NM_020812.4 (MANE Select); coding-DNA position 913, A replaced by G.
Protein change: p.Met305Val; replaces methionine 305 with valine.
Molecular consequence: missense variant.
Genome position (GRCh38, 1-based): chr19:11,245,673, T>C on the plus strand (A>G on the coding strand, the complement: DOCK6 is on the minus strand). VCF-style: chr19-11245673-T-C. GRCh37 (hg19) VCF-style: chr19-11356349-T-C.
Other names: c.913A>G, p.Met305Val (NM_001367830.1); short protein forms M305V.
Identifiers: ClinVar variation 3600397 (VCV003600397.1).

ClinVar aggregate classification (germline): Uncertain significance (1 of 4 stars; one submission).

Conditions:
Adams-Oliver syndrome 2 (AOS2). Identifiers: Orphanet 974, MedGen C3280182, MONDO:0013635, OMIM 614219.

gnomAD v4.1: 1 of 1,609,376 alleles (0.000062%); highest among the groups gnomAD compares: South Asian, 0.0011%; no homozygotes.

Submission:

Clinical Genomics Laboratory, Washington University in St. Louis
Classification: Uncertain significance for Adams-Oliver syndrome 2. Last evaluated: 2024-07-28. Review status: criteria provided, single submitter. Criteria: ACMG Guidelines, 2015. Collection method: clinical testing. Allele origin: germline.
Comment: The DOCK6 c.913A>G (p.Met305Val) variant, to our knowledge, has not been reported in the medical literature. This variant is only observed on 1/242,034 alleles in the general population (gnomAD v.2.1.1), indicating it is not a common variant. Computational predictors suggest that the variant does not impact DOCK6 function. Due to limited information, and based on ACMG/AMP guidelines for variant interpretation (Richards S et al., PMID: 25741868), the clinical significance of this variant is uncertain at this time.